The following is an entry in ClinVar:

NM_177438.3(DICER1):c.2110A>G (p.Lys704Glu)

Gene: DICER1 (dicer 1, ribonuclease III; minus strand). Cytogenetic location: 14q32.13.
Variant type: single nucleotide variant.
Coding change: c.2110A>G on transcript NM_177438.3 (MANE Select); coding-DNA position 2110, A replaced by G.
Protein change: p.Lys704Glu; replaces lysine 704 with glutamic acid.
Molecular consequence: missense variant.
Genome position (GRCh38, 1-based): chr14:95,112,178, T>C on the plus strand (A>G on the coding strand, the complement: DICER1 is on the minus strand). VCF-style: chr14-95112178-T-C. GRCh37 (hg19) VCF-style: chr14-95578515-T-C.
Other names: c.2110A>G, p.Lys704Glu (NM_001195573.1, NM_001271282.3, NM_001291628.2 and 1 more transcripts); c.2110A>G (NM_177438.2); short protein forms K704E.
Identifiers: ClinVar variation 1397850 (VCV001397850.11), dbSNP rs2140077115, ClinGen allele CA390882999.
Genomic context (GRCh38, chr14:95,112,178, plus strand): 5'-TTTACAATGGTTGCAATTTATTTTCATTCGTATATGCTTTTCAAACATCCTTACCAATTT[T>C]GTGCAGTTTCTCACAGCAAATGAGAGCTACAACTCTTTCAGCCAATCGTACACAGCTCAT-3'
Protein context (NP_803187.1, residues 694-714): VALICCEKLH[Lys704Glu]IGELDDHLMP

ClinVar aggregate classification (germline): Uncertain significance. Review status: criteria provided, multiple submitters, no conflicts (2 of 4 stars). 3 submissions from 3 submitters: Uncertain significance (3). Last evaluated 2023-09-06.

Conditions:
DICER1-related tumor predisposition. Also called: DICER1 syndrome; DICER1-related pleuropulmonary blastoma cancer predisposition syndrome. Identifiers: Orphanet 284343, MedGen C3839822, MONDO:0100216.
Hereditary cancer-predisposing syndrome. Also called: Hereditary neoplastic syndrome; Neoplastic Syndromes, Hereditary; Hereditary Cancer Syndrome; Tumor predisposition. Identifiers: Orphanet 140162, MedGen C0027672, MeSH D009386, MONDO:0015356.
Global developmental delay - lung cysts - overgrowth - Wilms tumor syndrome. Also called: GLOW Syndrome; GLOBAL DEVELOPMENTAL DELAY, LUNG CYSTS, OVERGROWTH, AND WILMS TUMOR. Identifiers: Orphanet 404476, MedGen C4748924, MONDO:0018445, OMIM 618272.

Submissions (3):

Ambry Genetics
Classification: Uncertain significance for Hereditary cancer-predisposing syndrome. Last evaluated: 2023-09-06. Review status: criteria provided, single submitter. Criteria: Ambry Variant Classification Scheme 2023. Collection method: clinical testing. Allele origin: germline.
Comment: The p.K704E variant (also known as c.2110A>G), located in coding exon 12 of the DICER1 gene, results from an A to G substitution at nucleotide position 2110. The lysine at codon 704 is replaced by glutamic acid, an amino acid with similar properties. This amino acid position is conserved. In addition, this alteration is predicted to be tolerated by in silico analysis. Since supporting evidence is limited at this time, the clinical significance of this alteration remains unclear.

Baylor Genetics
Classification: Uncertain significance for Global developmental delay - lung cysts - overgrowth - Wilms tumor syndrome. Last evaluated: 2023-06-19. Review status: criteria provided, single submitter. Criteria: ACMG Guidelines, 2015. Collection method: clinical testing. Allele origin: unknown.

Labcorp Genetics (formerly Invitae), Labcorp
Classification: Uncertain significance for DICER1-related tumor predisposition. Last evaluated: 2022-05-16. Review status: criteria provided, single submitter. Criteria: Invitae Variant Classification Sherloc (09022015). Collection method: clinical testing. Allele origin: germline.
Comment: In summary, the available evidence is currently insufficient to determine the role of this variant in disease. Therefore, it has been classified as a Variant of Uncertain Significance. Algorithms developed to predict the effect of missense changes on protein structure and function (SIFT, PolyPhen-2, Align-GVGD) all suggest that this variant is likely to be tolerated. This variant has not been reported in the literature in individuals affected with DICER1-related conditions. This variant is not present in population databases (gnomAD no frequency). This sequence change replaces lysine, which is basic and polar, with glutamic acid, which is acidic and polar, at codon 704 of the DICER1 protein (p.Lys704Glu).